The following is an entry in ClinVar:

NM_017662.5(TRPM6):c.1243G>T (p.Ala415Ser)

Gene: TRPM6 (transient receptor potential cation channel subfamily M member 6; minus strand). Cytogenetic location: 9q21.13.
Variant type: single nucleotide variant.
Coding change: c.1243G>T on transcript NM_017662.5 (MANE Select); coding-DNA position 1243, G replaced by T.
Protein change: p.Ala415Ser; replaces alanine 415 with serine.
Molecular consequence: missense variant.
Genome position (GRCh38, 1-based): chr9:74,816,734, C>A on the plus strand (G>T on the coding strand, the complement: TRPM6 is on the minus strand). VCF-style: chr9-74816734-C-A. GRCh37 (hg19) VCF-style: chr9-77431650-C-A.
Other names: c.1228G>T, p.Ala410Ser (NM_001177310.2, NM_001177311.2); short protein forms A410S, A415S.
Identifiers: ClinVar variation 2044366 (VCV002044366.4), dbSNP rs374760193, ClinGen allele CA373692616.

ClinVar aggregate classification (germline): Uncertain significance (1 of 4 stars; one submission).

gnomAD v4.1: 4 of 1,614,134 alleles (0.00025%); highest among the groups gnomAD compares: Non-Finnish European, 0.00034%; no homozygotes.

Submission:

Labcorp Genetics (formerly Invitae), Labcorp
Classification: Uncertain significance. Last evaluated: 2022-06-04. Review status: criteria provided, single submitter. Criteria: Invitae Variant Classification Sherloc (09022015). Collection method: clinical testing. Allele origin: germline.
Comment: In summary, the available evidence is currently insufficient to determine the role of this variant in disease. Therefore, it has been classified as a Variant of Uncertain Significance. Algorithms developed to predict the effect of missense changes on protein structure and function (SIFT, PolyPhen-2, Align-GVGD) all suggest that this variant is likely to be tolerated. This variant has not been reported in the literature in individuals affected with TRPM6-related conditions. This variant is not present in population databases (gnomAD no frequency). This sequence change replaces alanine, which is neutral and non-polar, with serine, which is neutral and polar, at codon 415 of the TRPM6 protein (p.Ala415Ser).